The following is an entry in ClinVar:

NM_002204.4(ITGA3):c.2400+7G>A

Gene: ITGA3 (integrin subunit alpha 3; plus strand). Cytogenetic location: 17q21.33.
Variant type: single nucleotide variant.
Coding change: c.2400+7G>A on transcript NM_002204.4 (MANE Select); 7 bases into the intron after coding-DNA position 2400, G replaced by A.
Molecular consequence: intron variant.
Genome position (GRCh38, 1-based): chr17:50,078,933, G>A. VCF-style: chr17-50078933-G-A. GRCh37 (hg19) VCF-style: chr17-48156297-G-A.
Other names: c.2400+7G>A (NM_002204.3).
Identifiers: ClinVar variation 1554436 (VCV001554436.12), dbSNP rs371199306, ClinGen allele CA8641915.

ClinVar aggregate classification (germline): Benign/Likely benign. Review status: criteria provided, multiple submitters, no conflicts (2 of 4 stars). 5 submissions from 5 submitters: Benign (3); Likely benign (2). Last evaluated 2026-01-26.

Conditions:
ITGA3-related disorder. Also called: ITGA3-related condition.
Epidermolysis bullosa, junctional 7, with interstitial lung disease and nephrotic syndrome. Also called: Interstitial lung disease, nephrotic syndrome, and epidermolysis bullosa, congenital; Interstitial Lung Disease with Nephrotic Syndrome and Epidermolysis Bullosa. Identifiers: Orphanet 306504, MedGen C4518785, MONDO:0013881, OMIM 614748.

Allele frequency attached by ClinVar (database versions not stated): ESP Exome Variant Server 0.00008; gnomAD 0.00030 and 0.00001; 1000 Genomes Project 30x 0.00250; 1000 Genomes Project 0.00319; TOPMed 0.00003.
gnomAD v4.1: 739 of 1,583,746 alleles (0.047%); highest among the groups gnomAD compares: South Asian, 0.76%; 8 homozygotes.

Submissions (5):

Labcorp Genetics (formerly Invitae), Labcorp
Classification: Benign. Last evaluated: 2026-01-26. Review status: criteria provided, single submitter. Criteria: Invitae Variant Classification Sherloc (09022015). Collection method: clinical testing. Allele origin: germline.

PreventionGenetics, part of Exact Sciences
Classification: Benign for ITGA3-related condition. Last evaluated: 2025-01-30. Review status: criteria provided, single submitter. Criteria: ACMG Guidelines, 2015. Collection method: clinical testing. Allele origin: germline.
Comment: This variant is classified as benign based on ACMG/AMP sequence variant interpretation guidelines (Richards et al. 2015 PMID: 25741868, with internal and published modifications).

Blueprint Genetics
Classification: Likely benign. Last evaluated: 2024-05-08. Review status: criteria provided, single submitter. Criteria: ACMG Guidelines, 2015. Collection method: clinical testing. Allele origin: germline.

Fulgent Genetics
Classification: Likely benign for Epidermolysis bullosa, junctional 7, with interstitial lung disease and nephrotic syndrome. Last evaluated: 2021-10-22. Review status: criteria provided, single submitter. Criteria: ACMG Guidelines, 2015. Collection method: clinical testing. Allele origin: unknown.

Breakthrough Genomics
Classification: Benign. Review status: criteria provided, single submitter. Criteria: ACMG Guidelines, 2015. Collection method: not provided. Allele origin: germline. Inheritance: Autosomal recessive inheritance. Affected: yes.